The following is an entry in ClinVar:

NM_001698.3(AUH):c.374G>A (p.Arg125Gln)

Gene: AUH (AU RNA binding methylglutaconyl-CoA hydratase; minus strand). Cytogenetic location: 9q22.31.
Variant type: single nucleotide variant.
Coding change: c.374G>A on transcript NM_001698.3 (MANE Select); coding-DNA position 374, G replaced by A.
Protein change: p.Arg125Gln; replaces arginine 125 with glutamine.
Molecular consequence: missense variant.
Genome position (GRCh38, 1-based): chr9:91,355,927, C>T on the plus strand (G>A on the coding strand, the complement: AUH is on the minus strand). VCF-style: chr9-91355927-C-T. GRCh37 (hg19) VCF-style: chr9-94118209-C-T.
Other names: p.R125Q:CGG>CAG; c.374G>A, p.Arg125Gln (NM_001306190.2); c.47G>A, p.Arg16Gln (NM_001351431.2, NM_001351432.2, NM_001351433.2); short protein forms R125Q, R16Q.
Identifiers: ClinVar variation 214152 (VCV000214152.8), dbSNP rs137939308, ClinGen allele CA323016.
Genomic context (GRCh38, chr9:91,355,927, plus strand): 5'-CAACATATTTACATACCAGCACAGAATATCCCTGGGACTTCACTCCTGATTATTATGGTC[C>T]GTACTTTCTTATCAGATTTCAAAGCATCCACAGCTTTTGATAGCTAAACAGAAATAGGAA-3'
Protein context (NP_001689.1, residues 115-135): VDALKSDKKV[Arg125Gln]TIIIRSEVPG

ClinVar aggregate classification (germline): Uncertain significance. Review status: criteria provided, multiple submitters, no conflicts (2 of 4 stars). 3 submissions from 3 submitters: Uncertain significance (3). Last evaluated 2025-08-29.

Conditions:
3-methylglutaconic aciduria type 1 (MGCA1). Identifiers: Orphanet 67046, MedGen C0342727, MONDO:0009610, OMIM 250950.

Allele frequency attached by ClinVar (database versions not stated): ExAC 0.00010; ESP Exome Variant Server 0.00015; gnomAD 0.00003 and 0.00004; TOPMed 0.00006; gnomAD exomes 0.00010.
gnomAD v4.1: 91 of 1,613,114 alleles (0.0056%); highest among the groups gnomAD compares: East Asian, 0.011%; no homozygotes.

Submissions (3):

Labcorp Genetics (formerly Invitae), Labcorp
Classification: Uncertain significance for 3-methylglutaconic aciduria type 1. Last evaluated: 2025-08-29. Review status: criteria provided, single submitter. Criteria: Invitae Variant Classification Sherloc (09022015). Collection method: clinical testing. Allele origin: germline.
Comment: This sequence change replaces arginine, which is basic and polar, with glutamine, which is neutral and polar, at codon 125 of the AUH protein (p.Arg125Gln). This variant is present in population databases (rs137939308, gnomAD 0.06%). This variant has not been reported in the literature in individuals affected with AUH-related conditions. ClinVar contains an entry for this variant (Variation ID: 214152). Invitae Evidence Modeling of protein sequence and biophysical properties (such as structural, functional, and spatial information, amino acid conservation, physicochemical variation, residue mobility, and thermodynamic stability) indicates that this missense variant is not expected to disrupt AUH protein function with a negative predictive value of 80%. In summary, the available evidence is currently insufficient to determine the role of this variant in disease. Therefore, it has been classified as a Variant of Uncertain Significance.

Baylor Genetics
Classification: Uncertain significance for 3-methylglutaconic aciduria type 1. Last evaluated: 2023-10-24. Review status: criteria provided, single submitter. Criteria: ACMG Guidelines, 2015. Collection method: clinical testing. Allele origin: unknown.

GeneDx
Classification: Uncertain significance. Last evaluated: 2014-11-19. Review status: criteria provided, single submitter. Criteria: GeneDx Variant Classification (06012015). Collection method: clinical testing. Allele origin: germline. Affected: yes.
Comment: p.Arg125Gln (CGG>CAG): c.374 G>A in exon 3 of the AUH gene (NM_001698.2). The R125Q variant has not been published as a mutation, nor has it been reported as a benign polymorphism to our knowledge. The R125Q variant is a semi-conservative amino acid substitution, which may impact secondary protein structure as these residues differ in some properties. This substitution occurs at a position that is moderately conserved across species. In silico analysis predicts this variant is probably damaging to the protein structure/function. Therefore, based on the currently available information, it is unclear whether this variant is a pathogenic mutation or a rare benign variant. The variant is found in MITONUC-MITOP panel(s).